The following is an entry in ClinVar:

NM_006080.3(SEMA3A):c.710A>T (p.Asn237Ile)

Gene: SEMA3A (semaphorin 3A; minus strand). Cytogenetic location: 7q21.11.
Variant type: single nucleotide variant.
Coding change: c.710A>T on transcript NM_006080.3 (MANE Select); coding-DNA position 710, A replaced by T.
Protein change: p.Asn237Ile; replaces asparagine 237 with isoleucine.
Molecular consequence: missense variant.
Genome position (GRCh38, 1-based): chr7:84,014,309, T>A on the plus strand (A>T on the coding strand, the complement: SEMA3A is on the minus strand). VCF-style: chr7-84014309-T-A. GRCh37 (hg19) VCF-style: chr7-83643625-T-A.
Other names: short protein forms N237I.
Identifiers: ClinVar variation 4989375 (VCV004989375.1).

ClinVar aggregate classification (germline): Uncertain significance (1 of 4 stars; one submission).

Conditions:
SEMA3A-related disorder. Also called: SEMA3A-related condition.

gnomAD v4.1: 6 of 1,612,334 alleles (0.00037%); highest among the groups gnomAD compares: Admixed American, 0.0067%; no homozygotes.

Submission:

PreventionGenetics, part of Exact Sciences
Classification: Uncertain significance for SEMA3A-related condition. Last evaluated: 2025-10-29. Review status: criteria provided, single submitter. Criteria: ACMG Guidelines, 2015. Collection method: clinical testing. Allele origin: germline.
Comment: The SEMA3A c.710A>T variant is predicted to result in the amino acid substitution p.Asn237Ile. To our knowledge, this variant has not been reported in the literature. This variant is reported in 0.0087% of alleles in individuals of Latino descent in gnomAD. At this time, the clinical significance of this variant is uncertain due to the absence of conclusive functional and genetic evidence.